The following is an entry in ClinVar:

NM_003482.4(KMT2D):c.2264_2317del (p.Arg755_Pro772del)

Gene: KMT2D (lysine methyltransferase 2D; minus strand). Cytogenetic location: 12q13.12.
Variant type: Deletion.
Coding change: c.2264_2317del on transcript NM_003482.4 (MANE Select); coding-DNA positions 2264 to 2317, 54 bases deleted.
Protein change: p.Arg755_Pro772del.
Molecular consequence: inframe deletion. On other transcripts: inframe indel (1).
Genome position (GRCh38, 1-based): chr12:49,051,366-49,051,419, 54 bases deleted. GRCh37 (hg19): chr12:49,445,162-49,445,215.
Other names: c.2264_2317del54 (NM_003482.3).
Identifiers: ClinVar variation 2382264 (VCV002382264.5), dbSNP rs1565817219, ClinGen allele CA6548288.

ClinVar aggregate classification (germline): Conflicting classifications of pathogenicity. Review status: criteria provided, conflicting classifications (1 of 4 stars). 2 submissions from 2 submitters: Uncertain significance (1); Likely benign (1). Last evaluated 2025-12-19.

Conditions:
Inborn genetic diseases. Identifiers: MedGen C0950123, MeSH D030342.
Kabuki syndrome. Also called: Kabuki make-up syndrome; NIIKAWA-KUROKI SYNDROME. Identifiers: Orphanet 2322, MedGen C0796004, MONDO:0016512.

Submissions (2):

Labcorp Genetics (formerly Invitae), Labcorp
Classification: Uncertain significance for Kabuki syndrome. Last evaluated: 2025-12-19. Review status: criteria provided, single submitter. Criteria: Invitae Variant Classification Sherloc (09022015). Collection method: clinical testing. Allele origin: germline.
Comment: This variant, c.2264_2317del, results in the deletion of 18 amino acid(s) of the KMT2D protein (p.Arg755_Pro772del), but otherwise preserves the integrity of the reading frame. The frequency data for this variant in the population databases is considered unreliable, as metrics indicate poor data quality at this position in the gnomAD database. This variant has not been reported in the literature in individuals affected with KMT2D-related conditions. This variant has been observed in at least one individual who was not affected with KMT2D-related conditions (internal data). ClinVar contains an entry for this variant (Variation ID: 2382264). Experimental studies and prediction algorithms are not available or were not evaluated, and the functional significance of this variant is currently unknown. In summary, the available evidence is currently insufficient to determine the role of this variant in disease. Therefore, it has been classified as a Variant of Uncertain Significance.

Ambry Genetics
Classification: Likely benign for Inborn genetic diseases. Last evaluated: 2022-01-19. Review status: criteria provided, single submitter. Criteria: Ambry Variant Classification Scheme 2023. Collection method: clinical testing. Allele origin: germline.